The following is an entry in ClinVar:

NM_000814.6(GABRB3):c.238A>C (p.Met80Leu)

Gene: GABRB3 (gamma-aminobutyric acid type A receptor subunit beta3; minus strand). Cytogenetic location: 15q12.
Variant type: single nucleotide variant.
Coding change: c.238A>C on transcript NM_000814.6 (MANE Select); coding-DNA position 238, A replaced by C.
Protein change: p.Met80Leu; replaces methionine 80 with leucine.
Molecular consequence: missense variant. On other transcripts: 5 prime UTR variant (1).
Genome position (GRCh38, 1-based): chr15:26,772,404, T>G on the plus strand (A>C on the coding strand, the complement: GABRB3 is on the minus strand). VCF-style: chr15-26772404-T-G. GRCh37 (hg19) VCF-style: chr15-27017551-T-G.
Other names: c.-114A>C (NM_001278631.2); c.238A>C, p.Met80Leu (NM_021912.5); short protein forms M80L.
Identifiers: ClinVar variation 2949842 (VCV002949842.3), dbSNP rs72708067, ClinGen allele CA391465162.

ClinVar aggregate classification (germline): Pathogenic (1 of 4 stars; one submission).

Conditions:
Epilepsy, childhood absence, susceptibility to, 1. Also called: Epilepsy, childhood absence 1. Identifiers: Orphanet 64280, MedGen C1838604, MONDO:0020759, OMIM 600131.
Epilepsy, childhood absence, susceptibility to, 5. Identifiers: Orphanet 64280, MedGen C2677087, MONDO:0012843, OMIM 612269.

Submission:

Labcorp Genetics (formerly Invitae), Labcorp
Classification: Pathogenic for Epilepsy, childhood absence, susceptibility to, 5; Epilepsy, childhood absence, susceptibility to, 1. Last evaluated: 2023-07-13. Review status: criteria provided, single submitter. Criteria: Invitae Variant Classification Sherloc (09022015). Collection method: clinical testing. Allele origin: germline.
Comment: For these reasons, this variant has been classified as Pathogenic. This variant disrupts the p.Met80 amino acid residue in GABRB3. Other variant(s) that disrupt this residue have been determined to be pathogenic (PMID: 31164858; Invitae). This suggests that this residue is clinically significant, and that variants that disrupt this residue are likely to be disease-causing. An algorithm developed to predict the effect of missense changes on protein structure and function (PolyPhen-2) suggests that this variant is likely to be tolerated. This variant is not present in population databases (gnomAD no frequency). This sequence change replaces methionine, which is neutral and non-polar, with leucine, which is neutral and non-polar, at codon 80 of the GABRB3 protein (p.Met80Leu). This missense change has been observed in individual(s) with GABRB3-related conditions (PMID: 34698933). In at least one individual the variant was observed to be de novo.

Literature cited by the submitters: PubMed 31164858; PubMed 34698933.